The following is an entry in ClinVar:

ClinVar aggregate classification (germline): Benign/Likely benign. Review status: criteria provided, multiple submitters, no conflicts (2 of 4 stars). 7 submissions from 7 submitters: Benign (4); Likely benign (3). Last evaluated 2026-05-01.

Conditions:
FANCD2-related disorder. Also called: FANCD2-related condition.
Ovarian cancer. Also called: OVARIAN CANCER, SOMATIC. Identifiers: Orphanet 213500, MedGen C1140680, MONDO:0008170, OMIM 167000.
Fanconi anemia (FA). Also called: Fanconi's anemia. Identifiers: Orphanet 84, MedGen C0015625, MeSH D005199, MONDO:0019391.

Allele frequency attached by ClinVar (database versions not stated): ExAC 0.00258; gnomAD 0.00450 and 0.00473; 1000 Genomes Project 30x 0.01390.

Submissions (7):

CeGaT Center for Human Genetics Tuebingen
Classification: Likely benign. Last evaluated: 2026-05-01. Review status: criteria provided, single submitter. Criteria: CeGaT Center For Human Genetics Tuebingen Variant Classification Criteria Version 2. Collection method: clinical testing. Allele origin: germline. Affected: yes. Observed: 1 variant allele.
Comment: FANCD2: BP4

Labcorp Genetics (formerly Invitae), Labcorp
Classification: Benign for Fanconi anemia. Last evaluated: 2025-08-21. Review status: criteria provided, single submitter. Criteria: Invitae Variant Classification Sherloc (09022015). Collection method: clinical testing. Allele origin: germline.

PreventionGenetics, part of Exact Sciences
Classification: Likely benign for FANCD2-related condition. Last evaluated: 2025-08-15. Review status: criteria provided, single submitter. Criteria: ACMG Guidelines, 2015. Collection method: clinical testing. Allele origin: germline.
Comment: This variant is classified as likely benign based on ACMG/AMP sequence variant interpretation guidelines (Richards et al. 2015 PMID: 25741868, with internal and published modifications).

Blueprint Genetics
Classification: Benign. Last evaluated: 2024-11-08. Review status: criteria provided, single submitter. Criteria: ACMG Guidelines, 2015. Collection method: clinical testing. Allele origin: germline.

Laboratory of Molecular Epidemiology of Birth Defects, West China Second University Hospital, Sichuan University
Classification: Benign for Ovarian cancer. Last evaluated: 2022-01-01. Review status: criteria provided, single submitter. Criteria: ACMG Guidelines, 2015. Collection method: clinical testing. Allele origin: germline. Affected: yes.

Sema4
Classification: Likely benign for Fanconi anemia. Last evaluated: 2021-05-18. Review status: criteria provided, single submitter. Criteria: Sema4 Curation Guidelines. Collection method: curation. Allele origin: germline.

Genetic Services Laboratory, University of Chicago
Classification: Benign. Last evaluated: 2016-11-16. Review status: criteria provided, single submitter. Criteria: ACMG Guidelines, 2015. Collection method: clinical testing. Allele origin: germline. Affected: no.

NM_001018115.3(FANCD2):c.1156T>G (p.Phe386Val)

Genes: FANCD2 (FA complementation group D2; plus strand), LOC107303338 (3p25 FANCD2 Alu-mediated recombination region; plus strand). Cytogenetic location: 3p25.3.
Variant type: single nucleotide variant.
Coding change: c.1156T>G on transcript NM_001018115.3 (MANE Select); coding-DNA position 1156, T replaced by G.
Protein change: p.Phe386Val; replaces phenylalanine 386 with valine.
Molecular consequence: missense variant.
Genome position (GRCh38, 1-based): chr3:10,046,601, T>G. VCF-style: chr3-10046601-T-G. GRCh37 (hg19) VCF-style: chr3-10088285-T-G.
Other names: c.1156T>G, p.Phe386Val (NM_001319984.2, NM_001374253.1, NM_001374254.1 and 1 more transcripts); c.1156T>G (NM_001018115.2); short protein forms F386V.
Identifiers: ClinVar variation 241729 (VCV000241729.20), dbSNP rs149125003, ClinGen allele CA2249537.